The following is an entry in ClinVar:

NM_018906.3(PCDHA3):c.1062A>G (p.Ser354=)

Genes: PCDHA1 (protocadherin alpha 1; plus strand), PCDHA2 (protocadherin alpha 2; plus strand), PCDHA3 (protocadherin alpha 3; plus strand), PCDHA@ (protocadherin alpha cluster, complex locus; plus strand). Cytogenetic location: 5q31.3.
Variant type: single nucleotide variant.
Coding change: c.1062A>G on transcript NM_018906.3 (MANE Select); coding-DNA position 1062, A replaced by G.
Protein change: p.Ser354=; no amino-acid change (serine 354 retained).
Molecular consequence: synonymous variant. On other transcripts: intron variant (4).
Genome position (GRCh38, 1-based): chr5:140,802,259, A>G. VCF-style: chr5-140802259-A-G. GRCh37 (hg19) VCF-style: chr5-140181844-A-G.
Other names: c.1062A>G, p.Ser354= (NM_031497.2); c.2394+13575A>G (NM_018900.4); c.1602+14367A>G (NM_031411.3); c.2388+4907A>G (NM_018905.3); c.2389-2801A>G (NM_031496.2).
Identifiers: ClinVar variation 3056499 (VCV003056499.2), dbSNP rs34281383, ClinGen allele CA3446405.

ClinVar aggregate classification (germline): Benign (0 of 4 stars; one submission).

Conditions:
PCDHA3-related disorder. Also called: PCDHA3-related condition.

Allele frequency attached by ClinVar (database versions not stated): 1000 Genomes Project 0.03175; gnomAD exomes 0.00259; ExAC 0.00911; ESP Exome Variant Server 0.03029; gnomAD 0.02847; TOPMed 0.03221; 1000 Genomes Project 30x 0.03342.
gnomAD v4.1: 8,304 of 1,614,188 alleles (0.51%); highest among the groups gnomAD compares: African/African-American, 9.6%; 396 homozygotes.

Submission:

PreventionGenetics, part of Exact Sciences
Classification: Benign for PCDHA3-related condition. Last evaluated: 2019-12-27. Review status: no assertion criteria provided. Collection method: clinical testing. Allele origin: germline.
Comment: This variant is classified as benign based on ACMG/AMP sequence variant interpretation guidelines (Richards et al. 2015 PMID: 25741868, with internal and published modifications).